The following is an entry in ClinVar:

ClinVar aggregate classification (germline): Likely benign. Review status: criteria provided, multiple submitters, no conflicts (2 of 4 stars). 3 submissions from 3 submitters: Likely benign (3). Last evaluated 2025-03-20.

Conditions:
Congenital myasthenic syndrome 8. Also called: MYASTHENIC SYNDROME, CONGENITAL, DUE TO AGRIN DEFICIENCY; Myasthenic syndrome, congenital, 8, with pre- and postsynaptic defects. Identifiers: Orphanet 590, MedGen C3808739, MONDO:0014052, OMIM 615120.

Allele frequency attached by ClinVar (database versions not stated): ExAC 0.00004; gnomAD exomes 0.00004 and 0.00012; TOPMed 0.00006; gnomAD 0.00008 and 0.00009.
gnomAD v4.1: 191 of 1,599,130 alleles (0.012%); highest among the groups gnomAD compares: Non-Finnish European, 0.014%; no homozygotes.

Submissions (3):

Labcorp Genetics (formerly Invitae), Labcorp
Classification: Likely benign for Congenital myasthenic syndrome 8. Last evaluated: 2025-03-20. Review status: criteria provided, single submitter. Criteria: Invitae Variant Classification Sherloc (09022015). Collection method: clinical testing. Allele origin: germline.

CeGaT Center for Human Genetics Tuebingen
Classification: Likely benign. Last evaluated: 2025-03-01. Review status: criteria provided, single submitter. Criteria: CeGaT Center For Human Genetics Tuebingen Variant Classification Criteria Version 2. Collection method: clinical testing. Allele origin: germline. Affected: yes. Observed: 1 variant allele.
Comment: AGRN: BP4, BP7

Breakthrough Genomics
Classification: Likely benign. Review status: criteria provided, single submitter. Criteria: ACMG Guidelines, 2015. Collection method: not provided. Allele origin: germline. Inheritance: Autosomal recessive inheritance. Affected: yes.

NM_198576.4(AGRN):c.4488C>T (p.Gly1496=)

Gene: AGRN (agrin; plus strand). Cytogenetic location: 1p36.33.
Variant type: single nucleotide variant.
Coding change: c.4488C>T on transcript NM_198576.4 (MANE Select); coding-DNA position 4488, C replaced by T.
Protein change: p.Gly1496=; no amino-acid change (glycine 1496 retained).
Molecular consequence: synonymous variant.
Genome position (GRCh38, 1-based): chr1:1,049,425, C>T. VCF-style: chr1-1049425-C-T. GRCh37 (hg19) VCF-style: chr1-984805-C-T.
Other names: c.4488C>T, p.Gly1496= (NM_001305275.2); c.4173C>T, p.Gly1391= (NM_001364727.2).
Identifiers: ClinVar variation 706166 (VCV000706166.18), dbSNP rs748221306, ClinGen allele CA509475.
Genomic context (GRCh38, chr1:1,049,425, plus strand): 5'-TCTGGGCGAGAGTCCCAGTGGCACCGACGGCCTCAACCTGGACACAGACCTCTTTGTGGG[C>T]GGCGTACCCGAGGACCAGGCTGCCGTGTGAGTCCCTTGGAGGGTGGTGTGGCCCCGACCC-3'
Protein context (NP_940978.2, residues 1486-1506): GLNLDTDLFV[Gly1496=]GVPEDQAAVA